The following is an entry in ClinVar:

NM_000260.4(MYO7A):c.272A>G (p.Asp91Gly)

Gene: MYO7A (myosin VIIA; plus strand). Cytogenetic location: 11q13.5.
Variant type: single nucleotide variant.
Coding change: c.272A>G on transcript NM_000260.4 (MANE Select); coding-DNA position 272, A replaced by G.
Protein change: p.Asp91Gly; replaces aspartic acid 91 with glycine.
Molecular consequence: missense variant.
Genome position (GRCh38, 1-based): chr11:77,147,937, A>G. VCF-style: chr11-77147937-A-G. GRCh37 (hg19) VCF-style: chr11-76858983-A-G.
Other names: c.272A>G, p.Asp91Gly (NM_001127180.2); c.239A>G, p.Asp80Gly (NM_001369365.1); short protein forms D91G, D80G.
Identifiers: ClinVar variation 1498808 (VCV001498808.8), dbSNP rs2135708662, ClinGen allele CA381929382.
Genomic context (GRCh38, chr11:77,147,937, plus strand): 5'-TCCGCCTGGGGGACCTCAACGAGGCGGGCATCTTGCGCAACCTGCTTATCCGCTACCGGG[A>G]CCACCTCATCTACGTGAGTGCCGCCCCGCCCGGTGCCCGTCCAGGCCCCCTCAGGCCCCG-3'
Protein context (NP_000251.3, residues 81-101): ILRNLLIRYR[Asp91Gly]HLIYTYTGSI

ClinVar aggregate classification (germline): Uncertain significance (1 of 4 stars; one submission).

Submission:

Labcorp Genetics (formerly Invitae), Labcorp
Classification: Uncertain significance. Last evaluated: 2022-08-16. Review status: criteria provided, single submitter. Criteria: Invitae Variant Classification Sherloc (09022015). Collection method: clinical testing. Allele origin: germline.
Comment: In summary, the available evidence is currently insufficient to determine the role of this variant in disease. Therefore, it has been classified as a Variant of Uncertain Significance. Advanced modeling of protein sequence and biophysical properties (such as structural, functional, and spatial information, amino acid conservation, physicochemical variation, residue mobility, and thermodynamic stability) performed at Invitae indicates that this missense variant is not expected to disrupt MYO7A protein function. ClinVar contains an entry for this variant (Variation ID: 1498808). This variant has not been reported in the literature in individuals affected with MYO7A-related conditions. This variant is not present in population databases (gnomAD no frequency). This sequence change replaces aspartic acid, which is acidic and polar, with glycine, which is neutral and non-polar, at codon 91 of the MYO7A protein (p.Asp91Gly).